The following is an entry in ClinVar:

NM_006514.4(SCN10A):c.5629C>T (p.Pro1877Ser)

Gene: SCN10A (sodium voltage-gated channel alpha subunit 10; minus strand). Cytogenetic location: 3p22.2.
Variant type: single nucleotide variant.
Coding change: c.5629C>T on transcript NM_006514.4 (MANE Select); coding-DNA position 5629, C replaced by T.
Protein change: p.Pro1877Ser; replaces proline 1877 with serine.
Molecular consequence: missense variant.
Genome position (GRCh38, 1-based): chr3:38,697,591, G>A on the plus strand (C>T on the coding strand, the complement: SCN10A is on the minus strand). VCF-style: chr3-38697591-G-A. GRCh37 (hg19) VCF-style: chr3-38739082-G-A.
Other names: c.5626C>T, p.Pro1876Ser (NM_001293306.2); c.5335C>T, p.Pro1779Ser (NM_001293307.2); short protein forms P1876S, P1877S, P1779S.
Identifiers: ClinVar variation 662614 (VCV000662614.5), dbSNP rs770710528, ClinGen allele CA2319631.

ClinVar aggregate classification (germline): Uncertain significance (1 of 4 stars; one submission).

Conditions:
Brugada syndrome. Also called: Sudden unexpected nocturnal death syndrome; Sudden unexplained nocturnal death syndrome; Sudden Unexplained Death Syndrome; Sudden Unexplained Nocturnal Death Syndrome (SUNDS). Identifiers: Orphanet 130, MedGen C1142166, MONDO:0015263.

Allele frequency attached by ClinVar (database versions not stated): gnomAD exomes 0.00001; ExAC 0.00002.
gnomAD v4.1: 4 of 1,614,182 alleles (0.00025%); highest among the groups gnomAD compares: Non-Finnish European, 0.00034%; no homozygotes.

Submission:

Labcorp Genetics (formerly Invitae), Labcorp
Classification: Uncertain significance for Brugada syndrome. Last evaluated: 2018-11-20. Review status: criteria provided, single submitter. Criteria: Invitae Variant Classification Sherloc (09022015). Collection method: clinical testing. Allele origin: germline.
Comment: This variant is present in population databases (rs770710528, ExAC 0.003%). This sequence change replaces proline with serine at codon 1877 of the SCN10A protein (p.Pro1877Ser). The proline residue is weakly conserved and there is a moderate physicochemical difference between proline and serine. This variant has not been reported in the literature in individuals with SCN10A-related disease. Algorithms developed to predict the effect of missense changes on protein structure and function output the following: SIFT: "Tolerated"; PolyPhen-2: "Benign"; Align-GVGD: "Class C0". The serine amino acid residue is found in multiple mammalian species, suggesting that this missense change does not adversely affect protein function. These predictions have not been confirmed by published functional studies and their clinical significance is uncertain. In summary, the available evidence is currently insufficient to determine the role of this variant in disease. Therefore, it has been classified as a Variant of Uncertain Significance.